The following is an entry in ClinVar:

ClinVar aggregate classification (germline): Uncertain significance (1 of 4 stars; one submission).

Conditions:
CHARGE syndrome (CHARGE). Also called: Hittner Hirsch Kreh syndrome; CHARGE ASSOCIATION--COLOBOMA, HEART ANOMALY, CHOANAL ATRESIA, RETARDATION, GENITAL AND EAR ANOMALIES; Coloboma, heart anomaly, choanal atresia, retardation, genital and ear anomalies; CHARGE association; Hall-Hittner syndrome. Identifiers: Orphanet 138, MedGen C0265354, MONDO:0008965.

Submission:

Labcorp Genetics (formerly Invitae), Labcorp
Classification: Uncertain significance for CHARGE syndrome. Last evaluated: 2024-07-19. Review status: criteria provided, single submitter. Criteria: Invitae Variant Classification Sherloc (09022015). Collection method: clinical testing. Allele origin: germline.
Comment: This sequence change replaces glutamic acid, which is acidic and polar, with lysine, which is basic and polar, at codon 824 of the CHD7 protein (p.Glu824Lys). This variant is not present in population databases (gnomAD no frequency). This variant has not been reported in the literature in individuals affected with CHD7-related conditions. Advanced modeling of protein sequence and biophysical properties (such as structural, functional, and spatial information, amino acid conservation, physicochemical variation, residue mobility, and thermodynamic stability) performed at Invitae indicates that this missense variant is expected to disrupt CHD7 protein function with a positive predictive value of 95%. In summary, the available evidence is currently insufficient to determine the role of this variant in disease. Therefore, it has been classified as a Variant of Uncertain Significance.

NM_017780.4(CHD7):c.2470G>A (p.Glu824Lys)

Gene: CHD7 (chromodomain helicase DNA binding protein 7; plus strand). Cytogenetic location: 8q12.2.
Variant type: single nucleotide variant.
Coding change: c.2470G>A on transcript NM_017780.4 (MANE Select); coding-DNA position 2470, G replaced by A.
Protein change: p.Glu824Lys; replaces glutamic acid 824 with lysine.
Molecular consequence: missense variant. On other transcripts: intron variant (1).
Genome position (GRCh38, 1-based): chr8:60,808,244, G>A. VCF-style: chr8-60808244-G-A. GRCh37 (hg19) VCF-style: chr8-61720803-G-A.
Other names: c.1716+27194G>A (NM_001316690.1); short protein forms E824K.
Identifiers: ClinVar variation 3696314 (VCV003696314.2).